The following is an entry in ClinVar:

NM_032608.7(MYO18B):c.7039_7040inv (p.Gln2347Ter)

Gene: MYO18B (myosin XVIIIB; plus strand). Cytogenetic location: 22q12.1.
Variant type: Inversion.
Coding change: c.7039_7040inv on transcript NM_032608.7 (MANE Select).
Protein change: p.Gln2347Ter; replaces glutamine 2347 with a stop codon.
Molecular consequence: nonsense.
Genome position: GRCh38 VCF-style: chr22-26027013-CA-TG. GRCh37 (hg19) VCF-style: chr22-26422979-CA-TG.
Other names: c.7042_7043inv, p.Gln2348Ter (NM_001318245.2); short protein forms Q2347*, Q2348*.
Identifiers: ClinVar variation 2975232 (VCV002975232.3), ClinGen allele CA2740094813.

ClinVar aggregate classification (germline): Pathogenic (1 of 4 stars; one submission).

Submission:

Labcorp Genetics (formerly Invitae), Labcorp
Classification: Pathogenic. Last evaluated: 2023-10-06. Review status: criteria provided, single submitter. Criteria: Invitae Variant Classification Sherloc (09022015). Collection method: clinical testing. Allele origin: germline.
Comment: This sequence change creates a premature translational stop signal (p.Gln2347*) in the MYO18B gene. It is expected to result in an absent or disrupted protein product. Loss-of-function variants in MYO18B are known to be pathogenic (PMID: 25748484, 32184166, 32637634). Information on the frequency of this variant in the gnomAD database is not available, as this variant may be reported differently in the database. This variant has not been reported in the literature in individuals affected with MYO18B-related conditions. For these reasons, this variant has been classified as Pathogenic.

Literature cited by the submitters: PubMed 25748484; PubMed 32184166; PubMed 32637634.